The following is an entry in ClinVar:

NM_001166108.2(PALLD):c.2338G>C (p.Glu780Gln)

Genes: CBR4 (carbonyl reductase 4; minus strand), PALLD (palladin, cytoskeletal associated protein; plus strand). Cytogenetic location: 4q32.3.
Variant type: single nucleotide variant.
Coding change: c.2338G>C on transcript NM_001166108.2 (MANE Select); coding-DNA position 2338, G replaced by C.
Protein change: p.Glu780Gln; replaces glutamic acid 780 with glutamine.
Molecular consequence: missense variant.
Genome position (GRCh38, 1-based): chr4:168,898,580, G>C. VCF-style: chr4-168898580-G-C. GRCh37 (hg19) VCF-style: chr4-169819731-G-C.
Other names: c.166G>C, p.Glu56Gln (NM_001367569.1, NM_001367567.1); c.217G>C, p.Glu73Gln (NM_001367570.1, NM_001367568.1); c.2287G>C, p.Glu763Gln (NM_016081.4); c.1141G>C, p.Glu381Gln (NM_001166109.2); c.826G>C, p.Glu276Gln (NM_001166110.2); short protein forms E276Q, E73Q, E381Q, E763Q, E56Q, E780Q.
Identifiers: ClinVar variation 1475986 (VCV001475986.8), dbSNP rs2151263543, ClinGen allele CA358798865.

ClinVar aggregate classification (germline): Uncertain significance (1 of 4 stars; one submission).

Conditions:
Pancreatic adenocarcinoma. Identifiers: MedGen C0281361, MONDO:0006047, HP:0006725.

Submission:

Labcorp Genetics (formerly Invitae), Labcorp
Classification: Uncertain significance for Pancreatic adenocarcinoma. Last evaluated: 2021-06-10. Review status: criteria provided, single submitter. Criteria: Invitae Variant Classification Sherloc (09022015). Collection method: clinical testing. Allele origin: germline.
Comment: In summary, the available evidence is currently insufficient to determine the role of this variant in disease. Therefore, it has been classified as a Variant of Uncertain Significance. Algorithms developed to predict the effect of missense changes on protein structure and function are either unavailable or do not agree on the potential impact of this missense change (SIFT: "Deleterious"; PolyPhen-2: "Benign"; Align-GVGD: "Class C25"). This variant has not been reported in the literature in individuals with PALLD-related conditions. This variant is not present in population databases (ExAC no frequency). This sequence change replaces glutamic acid with glutamine at codon 276 of the PALLD protein (p.Glu276Gln). The glutamic acid residue is highly conserved and there is a small physicochemical difference between glutamic acid and glutamine.